The following is an entry in ClinVar:

NM_018249.6(CDK5RAP2):c.1092+1G>A

Gene: CDK5RAP2 (CDK5 regulatory subunit associated protein 2; minus strand). Cytogenetic location: 9q33.2.
Variant type: single nucleotide variant.
Coding change: c.1092+1G>A on transcript NM_018249.6 (MANE Select); the canonical splice donor site of the intron after coding-DNA position 1092, G replaced by A.
Molecular consequence: splice donor variant.
Genome position (GRCh38, 1-based): chr9:120,524,985, C>T on the plus strand (G>A on the coding strand, the complement: CDK5RAP2 is on the minus strand). VCF-style: chr9-120524985-C-T. GRCh37 (hg19) VCF-style: chr9-123287263-C-T.
Other names: c.1092+1G>A (NM_001272039.2, NM_001410992.1, NM_001410994.1 and 2 more transcripts).
Identifiers: ClinVar variation 2664172 (VCV002664172.1), dbSNP rs2539600093, ClinGen allele CA374702160.

ClinVar aggregate classification (germline): Likely pathogenic (1 of 4 stars; one submission).

Conditions:
Microcephaly 3, primary, autosomal recessive. Identifiers: Orphanet 2512, MedGen C1858108, MONDO:0011488, OMIM 604804.

Submission:

Neuberg Centre For Genomic Medicine, NCGM
Classification: Likely pathogenic for Microcephaly 3, primary, autosomal recessive. Review status: criteria provided, single submitter. Criteria: ACMG Guidelines, 2015. Collection method: clinical testing. Allele origin: germline. Inheritance: Autosomal recessive inheritance. Affected: yes.
Comment: The invariant splice donor c.1092+1G>A variant in CDK5RAP2 gene has not been reported previously as a pathogenic variant nor as a benign variant, to our knowledge. The c.1092+1G>A variant is novel (not in any individuals) in both gnomAD Exomes and 1000 Genomes databases. This variant has not been reported to the ClinVar database. Loss of function variants have been previously reported to be disease causing. Additional studies will be required to prove the pathogenicity of this variant. For these reasons, this variant has been classified as Likely Pathogenic.